The following is an entry in ClinVar:

NM_024642.5(GALNT12):c.271C>T (p.Leu91=)

Gene: GALNT12 (polypeptide N-acetylgalactosaminyltransferase 12; plus strand). Cytogenetic location: 9q22.33.
Variant type: single nucleotide variant.
Coding change: c.271C>T on transcript NM_024642.5 (MANE Select); coding-DNA position 271, C replaced by T.
Protein change: p.Leu91=; no amino-acid change (leucine 91 retained).
Molecular consequence: synonymous variant.
Genome position (GRCh38, 1-based): chr9:98,807,969, C>T. VCF-style: chr9-98807969-C-T. GRCh37 (hg19) VCF-style: chr9-101570251-C-T.
Identifiers: ClinVar variation 1795168 (VCV001795168.3), dbSNP rs1835414168, ClinGen allele CA466647528.
Genomic context (GRCh38, chr9:98,807,969, plus strand): 5'-CCGGCGAACGCGCTGGGCGCGCGGGGCGAGGCGGTGCGGCTGCAGCTGCAGGGCGAGGAG[C>T]TGCGGCTGCAGGAGGAGAGCGTGCGGCTGCACCAGATTAACATCTACCTCAGCGACCGCA-3'
Protein context (NP_078918.3, residues 81-101): AVRLQLQGEE[Leu91=]RLQEESVRLH

ClinVar aggregate classification (germline): Benign/Likely benign. Review status: criteria provided, multiple submitters, no conflicts (2 of 4 stars). 2 submissions from 2 submitters: Benign (1); Likely benign (1). Last evaluated 2026-04-23.

Conditions:
Colorectal cancer, susceptibility to, 1. Also called: COLORECTAL ADENOMA AND CANCER, SUSCEPTIBILITY TO; COLORECTAL CANCER, SUSCEPTIBILITY TO, ON CHROMOSOME 9. Identifiers: MedGen C1837315, MONDO:0012132, OMIM 608812.

Submissions (2):

Myriad Genetics, Inc.
Classification: Benign for Colorectal cancer, susceptibility to, 1. Last evaluated: 2026-04-23. Review status: criteria provided, single submitter. Criteria: Myriad Autosomal Dominant, Autosomal Recessive and X-Linked Classification Criteria (2023). Collection method: clinical testing. Allele origin: unknown.
Comment: This variant is considered benign. This variant is a silent/synonymous amino acid change and it is not expected to impact splicing.

Ambry Genetics
Classification: Likely benign. Last evaluated: 2021-12-20. Review status: criteria provided, single submitter. Criteria: Ambry Variant Classification Scheme 2023. Collection method: clinical testing. Allele origin: germline.